The following is an entry in ClinVar:

NM_006180.6(NTRK2):c.1765-7_1765-6delinsCT

Gene: NTRK2 (neurotrophic receptor tyrosine kinase 2; plus strand). Cytogenetic location: 9q21.33.
Variant type: Indel.
Coding change: c.1765-7_1765-6delinsCT on transcript NM_006180.6 (MANE Select); 7 bases into the intron before coding-DNA position 1765 through 6 bases into the intron before coding-DNA position 1765, TC replaced by CT.
Molecular consequence: intron variant.
Genome position (GRCh38, 1-based): chr9:84,948,455-84,948,456, TC replaced by CT. VCF-style: chr9-84948455-TC-CT. GRCh37 (hg19) VCF-style: chr9-87563370-TC-CT.
Other names: c.1717-7_1717-6delinsCT (NM_001369532.1, NM_001369533.1, NM_001018064.3); c.1681-7_1681-6delinsCT (NM_001369534.1); c.1297-7_1297-6delinsCT (NM_001369536.1); c.1249-7_1249-6delinsCT (NM_001369535.1).
Identifiers: ClinVar variation 2035851 (VCV002035851.4), dbSNP rs2491562000, ClinGen allele CA2580080626.

ClinVar aggregate classification (germline): Uncertain significance (1 of 4 stars; one submission).

Submission:

Labcorp Genetics (formerly Invitae), Labcorp
Classification: Uncertain significance. Last evaluated: 2022-10-17. Review status: criteria provided, single submitter. Criteria: Invitae Variant Classification Sherloc (09022015). Collection method: clinical testing. Allele origin: germline.
Comment: In summary, the available evidence is currently insufficient to determine the role of this variant in disease. Therefore, it has been classified as a Variant of Uncertain Significance. Experimental studies and prediction algorithms are not available or were not evaluated, and the effect of this variant on mRNA splicing is currently unknown. This variant has not been reported in the literature in individuals affected with NTRK2-related conditions. Information on the frequency of this variant in the gnomAD database is not available, as this variant may be reported differently in the database. This sequence change falls in intron 17 of the NTRK2 gene. It does not directly change the encoded amino acid sequence of the NTRK2 protein.